The following is an entry in ClinVar:

NM_001244008.2(KIF1A):c.526C>T (p.Pro176Ser)

Gene: KIF1A (kinesin family member 1A; minus strand). Cytogenetic location: 2q37.3.
Variant type: single nucleotide variant.
Coding change: c.526C>T on transcript NM_001244008.2 (MANE Select); coding-DNA position 526, C replaced by T.
Protein change: p.Pro176Ser; replaces proline 176 with serine.
Molecular consequence: missense variant.
Genome position (GRCh38, 1-based): chr2:240,786,417, G>A on the plus strand (C>T on the coding strand, the complement: KIF1A is on the minus strand). VCF-style: chr2-240786417-G-A. GRCh37 (hg19) VCF-style: chr2-241725834-G-A.
Other names: c.526C>T, p.Pro176Ser (NM_001320705.2, NM_001330289.2, NM_001330290.2 and 20 more transcripts); short protein forms P176S.
Identifiers: ClinVar variation 532870 (VCV000532870.9), dbSNP rs1553638627, ClinGen allele CA351306214.

ClinVar aggregate classification (germline): Uncertain significance (1 of 4 stars; one submission).

Conditions:
Neuropathy, hereditary sensory, type 2C. Also called: KIF1A-Related HSAN2 (HSAN2C); Hereditary sensory and autonomic neuropathy type IIC. Identifiers: Orphanet 970, MedGen C3280168, MONDO:0013634, OMIM 614213.
Intellectual disability, autosomal dominant 9 (NESCAVS). Also called: NESCAV SYNDROME; KIF1A-Related Neurodevelopmental Disorder. Identifiers: Orphanet 662367, MedGen C5393830, MONDO:0013656, OMIM 614255.
Hereditary spastic paraplegia 30. Identifiers: Orphanet 101010, MedGen C5235139, MONDO:0012476.

Submission:

Labcorp Genetics (formerly Invitae), Labcorp
Classification: Uncertain significance for Hereditary spastic paraplegia 30; Neuropathy, hereditary sensory, type 2C; Intellectual disability, autosomal dominant 9. Last evaluated: 2025-02-07. Review status: criteria provided, single submitter. Criteria: Invitae Variant Classification Sherloc (09022015). Collection method: clinical testing. Allele origin: germline.
Comment: This sequence change replaces proline, which is neutral and non-polar, with serine, which is neutral and polar, at codon 176 of the KIF1A protein (p.Pro176Ser). This variant is not present in population databases (gnomAD no frequency). This variant has not been reported in the literature in individuals affected with KIF1A-related conditions. ClinVar contains an entry for this variant (Variation ID: 532870). Invitae Evidence Modeling of protein sequence and biophysical properties (such as structural, functional, and spatial information, amino acid conservation, physicochemical variation, residue mobility, and thermodynamic stability) indicates that this missense variant is expected to disrupt KIF1A protein function with a positive predictive value of 95%. In summary, the available evidence is currently insufficient to determine the role of this variant in disease. Therefore, it has been classified as a Variant of Uncertain Significance.